The following is an entry in ClinVar:

ClinVar aggregate classification (germline): Uncertain significance (1 of 4 stars; one submission).

Conditions:
Congenital myopathy 4B, autosomal recessive. Also called: Nemaline myopathy 1, autosomal dominant or recessive. Identifiers: Orphanet 171433, Orphanet 171439, Orphanet 171881, MedGen C5829889, MONDO:0012239, OMIM 609284.
Congenital myopathy with fiber type disproportion. Also called: Congenital fiber-type disproportion myopathy; Congenital fiber-type disproportion. Identifiers: Orphanet 2020, MedGen C0546264, MONDO:0009711. Inheritance: all.

Submission:

Labcorp Genetics (formerly Invitae), Labcorp
Classification: Uncertain significance for Congenital myopathy with fiber type disproportion; Congenital myopathy 4B, autosomal recessive. Last evaluated: 2023-03-07. Review status: criteria provided, single submitter. Criteria: Invitae Variant Classification Sherloc (09022015). Collection method: clinical testing. Allele origin: germline.
Comment: This variant is not present in population databases (gnomAD no frequency). This missense change has been observed in individual(s) with nemaline myopathy (PMID: 33084218). Advanced modeling of protein sequence and biophysical properties (such as structural, functional, and spatial information, amino acid conservation, physicochemical variation, residue mobility, and thermodynamic stability) performed at Invitae indicates that this missense variant is expected to disrupt TPM3 protein function. This variant disrupts the p.Arg168 amino acid residue in TPM3. Other variant(s) that disrupt this residue have been determined to be pathogenic (PMID: 12467750, 17376686, 21357678, 22749829). This suggests that this residue is clinically significant, and that variants that disrupt this residue are likely to be disease-causing. In summary, the available evidence is currently insufficient to determine the role of this variant in disease. Therefore, it has been classified as a Variant of Uncertain Significance. This sequence change replaces arginine, which is basic and polar, with leucine, which is neutral and non-polar, at codon 168 of the TPM3 protein (p.Arg168Leu).

Literature cited by the submitters: PubMed 33084218; PubMed 12467750; PubMed 17376686; PubMed 21357678; PubMed 22749829.

NM_152263.4(TPM3):c.503G>T (p.Arg168Leu)

Gene: TPM3 (tropomyosin 3; minus strand). Cytogenetic location: 1q21.3.
Variant type: single nucleotide variant.
Coding change: c.503G>T on transcript NM_152263.4 (MANE Select); coding-DNA position 503, G replaced by T.
Protein change: p.Arg168Leu; replaces arginine 168 with leucine.
Molecular consequence: missense variant. On other transcripts: non-coding transcript variant (1).
Genome position (GRCh38, 1-based): chr1:154,172,971, C>A on the plus strand (G>T on the coding strand, the complement: TPM3 is on the minus strand). VCF-style: chr1-154172971-C-A. GRCh37 (hg19) VCF-style: chr1-154145447-C-A.
Other names: c.392G>T, p.Arg131Leu (NM_001043351.2, NM_001043352.2, NM_001043353.2 and 5 more transcripts); c.194G>T, p.Arg65Leu (NM_001278188.2); c.122G>T, p.Arg41Leu (NM_001278191.2); c.503G>T, p.Arg168Leu (NM_001364679.2, NM_001364680.2, NM_001364681.2 and 1 more transcripts); short protein forms R168L, R41L, R65L, R131L.
Identifiers: ClinVar variation 2938076 (VCV002938076.3), dbSNP rs121964852, ClinGen allele CA342584229.